The following is an entry in ClinVar:

ClinVar aggregate classification (germline): Likely benign. Review status: criteria provided, multiple submitters, no conflicts (2 of 4 stars). 2 submissions from 2 submitters: Likely benign (2). Last evaluated 2024-07-01.

Conditions:
Inborn genetic diseases. Identifiers: MedGen C0950123, MeSH D030342.

gnomAD v4.1: 91 of 1,179,450 alleles (0.0077%); highest among the groups gnomAD compares: Non-Finnish European, 0.0085%; 1 homozygote.

Submissions (2):

CeGaT Center for Human Genetics Tuebingen
Classification: Likely benign. Last evaluated: 2024-07-01. Review status: criteria provided, single submitter. Criteria: CeGaT Center For Human Genetics Tuebingen Variant Classification Criteria Version 2. Collection method: clinical testing. Allele origin: germline. Affected: yes. Observed: 1 variant allele.
Comment: CUX1: BP1

Ambry Genetics
Classification: Likely benign for Inborn genetic diseases. Last evaluated: 2023-12-17. Review status: criteria provided, single submitter. Criteria: Ambry Variant Classification Scheme 2023. Collection method: clinical testing. Allele origin: germline.

NM_181552.4(CUX1):c.4304C>G (p.Pro1435Arg)

Gene: CUX1 (cut like homeobox 1; plus strand). Cytogenetic location: 7q22.1.
Variant type: single nucleotide variant.
Coding change: c.4304C>G on transcript NM_181552.4 (MANE Select); coding-DNA position 4304, C replaced by G.
Protein change: p.Pro1435Arg; replaces proline 1435 with arginine.
Molecular consequence: missense variant. On other transcripts: intron variant (5).
Genome position (GRCh38, 1-based): chr7:102,248,828, C>G. VCF-style: chr7-102248828-C-G. GRCh37 (hg19) VCF-style: chr7-101892108-C-G.
Other names: c.4337C>G, p.Pro1446Arg (NM_001202543.2); c.1256-24538C>G (NM_001913.5); c.1250-24538C>G (NM_181500.4); c.1118-24538C>G (NM_001202545.3); c.1208-24538C>G (NM_001202544.3); c.1139-24538C>G (NM_001202546.3); short protein forms P1435R, P1446R.
Identifiers: ClinVar variation 3079048 (VCV003079048.18), dbSNP rs1463521748, ClinGen allele CA368669722.